The following is an entry in ClinVar:

NM_014049.5(ACAD9):c.976G>T (p.Ala326Ser)

Gene: ACAD9 (acyl-CoA dehydrogenase family member 9; plus strand). Cytogenetic location: 3q21.3.
Variant type: single nucleotide variant.
Coding change: c.976G>T on transcript NM_014049.5 (MANE Select); coding-DNA position 976, G replaced by T.
Protein change: p.Ala326Ser; replaces alanine 326 with serine.
Molecular consequence: missense variant. On other transcripts: non-coding transcript variant (1).
Genome position (GRCh38, 1-based): chr3:128,904,079, G>T. VCF-style: chr3-128904079-G-T. GRCh37 (hg19) VCF-style: chr3-128622922-G-T.
Other names: short protein forms A326S.
Identifiers: ClinVar variation 1033255 (VCV001033255.1), dbSNP rs115532916, ClinGen allele CA354435911.
Genomic context (GRCh38, chr3:128,904,079, plus strand): 5'-CAGAAATATTCCAGTTCATTCTAATAACTCTGCTCTTCCTCAGAAATGACTGCTGAGTAC[G>T]CCTGCACAAGGAAACAGTTTAACAAGAGGCTCAGTGAATTTGGATTGATTCAGGTACCAA-3'
Protein context (NP_054768.2, residues 316-336): KRLIEMTAEY[Ala326Ser]CTRKQFNKRL

ClinVar aggregate classification (germline): Uncertain significance (1 of 4 stars; one submission).

Conditions:
Acyl-CoA dehydrogenase 9 deficiency. Also called: Acyl-CoA dehydrogenase family, member 9, deficiency of; MITOCHONDRIAL COMPLEX I DEFICIENCY, NUCLEAR TYPE 20. Identifiers: Orphanet 99901, MedGen C4747517, MONDO:0012624, OMIM 611126.

Submission:

Baylor Genetics
Classification: Uncertain significance for Acyl-CoA dehydrogenase 9 deficiency. Last evaluated: 2018-05-11. Review status: criteria provided, single submitter. Criteria: ACMG Guidelines, 2015. Collection method: clinical testing. Allele origin: maternal. Affected: yes.
Comment: This variant was determined to be of uncertain significance according to ACMG Guidelines, 2015 [PMID:25741868].